The following is an entry in ClinVar:

ClinVar aggregate classification (germline): Uncertain significance. Review status: criteria provided, multiple submitters, no conflicts (2 of 4 stars). 3 submissions from 3 submitters: Uncertain significance (3). Last evaluated 2024-05-07.

Conditions:
Ciliary dyskinesia, primary, 40. Also called: CILIARY DYSKINESIA, PRIMARY, 40, WITH OR WITHOUT SITUS INVERSUS. Identifiers: MedGen C4749028, MONDO:0032664, OMIM 618300.
Inborn genetic diseases. Identifiers: MedGen C0950123, MeSH D030342.

Allele frequency attached by ClinVar (database versions not stated): gnomAD 0.00001; TOPMed 0.00003; ExAC 0.00004; ESP Exome Variant Server 0.00008.
gnomAD v4.1: 25 of 1,613,944 alleles (0.0015%); highest among the groups gnomAD compares: Middle Eastern, 0.016%; no homozygotes.

Submissions (3):

Fulgent Genetics
Classification: Uncertain significance for Ciliary dyskinesia, primary, 40. Last evaluated: 2024-05-07. Review status: criteria provided, single submitter. Criteria: ACMG Guidelines, 2015. Collection method: clinical testing. Allele origin: germline.

Labcorp Genetics (formerly Invitae), Labcorp
Classification: Uncertain significance. Last evaluated: 2022-01-01. Review status: criteria provided, single submitter. Criteria: Invitae Variant Classification Sherloc (09022015). Collection method: clinical testing. Allele origin: germline.
Comment: This sequence change replaces glutamic acid, which is acidic and polar, with lysine, which is basic and polar, at codon 3831 of the DNAH9 protein (p.Glu3831Lys). This variant is present in population databases (rs377209537, gnomAD 0.01%). This variant has not been reported in the literature in individuals affected with DNAH9-related conditions. Algorithms developed to predict the effect of missense changes on protein structure and function are either unavailable or do not agree on the potential impact of this missense change (SIFT: "Deleterious"; PolyPhen-2: "Possibly Damaging"; Align-GVGD: "Class C0"). In summary, the available evidence is currently insufficient to determine the role of this variant in disease. Therefore, it has been classified as a Variant of Uncertain Significance.

Ambry Genetics
Classification: Uncertain significance for Inborn genetic diseases. Last evaluated: 2021-09-16. Review status: criteria provided, single submitter. Criteria: Ambry Variant Classification Scheme 2023. Collection method: clinical testing. Allele origin: germline.

NM_001372.4(DNAH9):c.11491G>A (p.Glu3831Lys)

Gene: DNAH9 (dynein axonemal heavy chain 9; plus strand). Cytogenetic location: 17p12.
Variant type: single nucleotide variant.
Coding change: c.11491G>A on transcript NM_001372.4 (MANE Select); coding-DNA position 11491, G replaced by A.
Protein change: p.Glu3831Lys; replaces glutamic acid 3831 with lysine.
Molecular consequence: missense variant.
Genome position (GRCh38, 1-based): chr17:11,902,803, G>A. VCF-style: chr17-11902803-G-A. GRCh37 (hg19) VCF-style: chr17-11806120-G-A.
Other names: c.427G>A, p.Glu143Lys (NM_004662.2); c.11491G>A (NM_001372.3); short protein forms E143K, E3831K.
Identifiers: ClinVar variation 2172217 (VCV002172217.3), dbSNP rs377209537, ClinGen allele CA8397850.
Genomic context (GRCh38, chr17:11,902,803, plus strand): 5'-TCTAATCTGGATCGGGACATAGAGGGATCTGCTAAGAGCTGGAAAAAGTTTGTGGAGTCC[G>A]AATGTCCTGAGAAAGAGAAGCTCCCACAGGAGTGGAAGAACAAGACAGCCCTGCAGCGCC-3'
Protein context (NP_001363.2, residues 3821-3841): AKSWKKFVES[Glu3831Lys]CPEKEKLPQE